The following is an entry in ClinVar:

NM_001371986.1(UNC80):c.9608G>A (p.Ser3203Asn)

Gene: UNC80 (unc-80 subunit of NALCN channel complex; plus strand). Cytogenetic location: 2q34.
Variant type: single nucleotide variant.
Coding change: c.9608G>A on transcript NM_001371986.1 (MANE Select); coding-DNA position 9608, G replaced by A.
Protein change: p.Ser3203Asn; replaces serine 3203 with asparagine.
Molecular consequence: missense variant.
Genome position (GRCh38, 1-based): chr2:209,994,164, G>A. VCF-style: chr2-209994164-G-A. GRCh37 (hg19) VCF-style: chr2-210858888-G-A.
Other names: c.9410G>A, p.Ser3137Asn (NM_032504.2); c.9338G>A, p.Ser3113Asn (NM_182587.4); short protein forms S3203N, S3113N, S3137N.
Identifiers: ClinVar variation 1993459 (VCV001993459.4), dbSNP rs1164997866, ClinGen allele CA350415888.

ClinVar aggregate classification (germline): Uncertain significance (1 of 4 stars; one submission).

Allele frequency attached by ClinVar (database versions not stated): gnomAD exomes below 0.00001; TOPMed below 0.00001.
gnomAD v4.1: 2 of 1,551,500 alleles (0.00013%); highest among the groups gnomAD compares: Non-Finnish European, 0.00017%; no homozygotes.

Submission:

Labcorp Genetics (formerly Invitae), Labcorp
Classification: Uncertain significance. Last evaluated: 2022-05-12. Review status: criteria provided, single submitter. Criteria: Invitae Variant Classification Sherloc (09022015). Collection method: clinical testing. Allele origin: germline.
Comment: This variant has not been reported in the literature in individuals affected with UNC80-related conditions. This variant is present in population databases (no rsID available, gnomAD 0.002%). This sequence change replaces serine, which is neutral and polar, with asparagine, which is neutral and polar, at codon 3137 of the UNC80 protein (p.Ser3137Asn). In summary, the available evidence is currently insufficient to determine the role of this variant in disease. Therefore, it has been classified as a Variant of Uncertain Significance. Algorithms developed to predict the effect of missense changes on protein structure and function are either unavailable or do not agree on the potential impact of this missense change (SIFT: "Not Available"; PolyPhen-2: "Possibly Damaging"; Align-GVGD: "Not Available").